The following is an entry in ClinVar:

NM_006766.5(KAT6A):c.5572C>T (p.Arg1858Cys)

Gene: KAT6A (lysine acetyltransferase 6A; minus strand). Cytogenetic location: 8p11.21.
Variant type: single nucleotide variant.
Coding change: c.5572C>T on transcript NM_006766.5 (MANE Select); coding-DNA position 5572, C replaced by T.
Protein change: p.Arg1858Cys; replaces arginine 1858 with cysteine.
Molecular consequence: missense variant.
Genome position (GRCh38, 1-based): chr8:41,932,648, G>A on the plus strand (C>T on the coding strand, the complement: KAT6A is on the minus strand). VCF-style: chr8-41932648-G-A. GRCh37 (hg19) VCF-style: chr8-41790166-G-A.
Other names: short protein forms R1858C.
Identifiers: ClinVar variation 975256 (VCV000975256.8), dbSNP rs374807145, ClinGen allele CA4729286.
Genomic context (GRCh38, chr8:41,932,648, plus strand): 5'-TACGGCCATACAGCTGCTGCTGGTGAGCAGCCGCAGAGGGCAGTGGCGCAGACTTGGAGC[G>A]GATGGAAATGTGCCCCTTCACTGGCATTTGCCCTTGCAATCTCTGCGTGTGAGGAATGCC-3'
Protein context (NP_006757.2, residues 1848-1868): QMPVKGHISI[Arg1858Cys]SKSAPLPSAA

ClinVar aggregate classification (germline): Conflicting classifications of pathogenicity. Review status: criteria provided, conflicting classifications (1 of 4 stars). 3 submissions from 3 submitters: Uncertain significance (1); Likely benign (1). 1 of the submissions does not count toward it. Last evaluated 2024-08-05.

Conditions:
Inborn genetic diseases. Identifiers: MedGen C0950123, MeSH D030342.
Intellectual disability. Also called: intellectual disabilities; Intellectual developmental disorder; Intellectual functioning disability. Identifiers: MedGen C3714756, MeSH D008607, MONDO:0001071, HP:0001249.

Allele frequency attached by ClinVar (database versions not stated): 1000 Genomes Project 0.00020; ExAC 0.00004; gnomAD 0.00007; ESP Exome Variant Server 0.00008; gnomAD exomes 0.00008; 1000 Genomes Project 30x 0.00031.
gnomAD v4.1: 70 of 1,614,210 alleles (0.0043%); highest among the groups gnomAD compares: South Asian, 0.0033%; no homozygotes.

Submissions (3):

Labcorp Genetics (formerly Invitae), Labcorp
Classification: Likely benign. Last evaluated: 2024-08-05. Review status: criteria provided, single submitter. Criteria: Invitae Variant Classification Sherloc (09022015). Collection method: clinical testing. Allele origin: germline.

Ambry Genetics
Classification: Uncertain significance for Inborn genetic diseases. Last evaluated: 2018-07-12. Review status: criteria provided, single submitter. Criteria: Ambry Variant Classification Scheme 2023. Collection method: clinical testing. Allele origin: germline.
Comment: The p.R1858C variant (also known as c.5572C>T), located in coding exon 16 of the KAT6A gene, results from a C to T substitution at nucleotide position 5572. The arginine at codon 1858 is replaced by cysteine, an amino acid with highly dissimilar properties. This amino acid position is highly conserved in available vertebrate species. In addition, this alteration is predicted to be deleterious by in silico analysis. Since supporting evidence is limited at this time, the clinical significance of this alteration remains unclear.

Centre de Biologie Pathologie Génétique, Centre Hospitalier Universitaire de Lille
Classification: Likely benign for Intellectual disability. Last evaluated: 2019-01-01. Review status: no assertion criteria provided. Collection method: clinical testing. Allele origin: inherited. Affected: yes. Not counted in ClinVar's aggregate classification.